The following is an entry in ClinVar:

ClinVar aggregate classification (germline): Uncertain significance (1 of 4 stars; one submission).

Conditions:
Cardiovascular phenotype. Identifiers: MedGen CN230736.

Submission:

Ambry Genetics
Classification: Uncertain significance for Cardiovascular phenotype. Last evaluated: 2025-06-11. Review status: criteria provided, single submitter. Criteria: Ambry Variant Classification Scheme 2023. Collection method: clinical testing. Allele origin: germline.
Comment: The p.A1278S variant (also known as c.3832G>T), located in coding exon 26 of the MYH7 gene, results from a G to T substitution at nucleotide position 3832. The alanine at codon 1278 is replaced by serine, an amino acid with similar properties. This amino acid position is highly conserved in available vertebrate species. In addition, the in silico prediction for this alteration is inconclusive. Based on the available evidence, the clinical significance of this variant remains unclear.

NM_000257.4(MYH7):c.3832G>T (p.Ala1278Ser)

Gene: MYH7 (myosin heavy chain 7; minus strand). Cytogenetic location: 14q11.2.
Variant type: single nucleotide variant.
Coding change: c.3832G>T on transcript NM_000257.4 (MANE Select); coding-DNA position 3832, G replaced by T.
Protein change: p.Ala1278Ser; replaces alanine 1278 with serine.
Molecular consequence: missense variant.
Genome position (GRCh38, 1-based): chr14:23,419,504, C>A on the plus strand (G>T on the coding strand, the complement: MYH7 is on the minus strand). VCF-style: chr14-23419504-C-A. GRCh37 (hg19) VCF-style: chr14-23888713-C-A.
Other names: c.3832G>T, p.Ala1278Ser (NM_001407004.1); short protein forms A1278S.
Identifiers: ClinVar variation 3915638 (VCV003915638.1).